The following is an entry in ClinVar:

NM_001430.5(EPAS1):c.860A>C (p.Glu287Ala)

Gene: EPAS1 (endothelial PAS domain protein 1; plus strand). Cytogenetic location: 2p21.
Variant type: single nucleotide variant.
Coding change: c.860A>C on transcript NM_001430.5 (MANE Select); coding-DNA position 860, A replaced by C.
Protein change: p.Glu287Ala; replaces glutamic acid 287 with alanine.
Molecular consequence: missense variant.
Genome position (GRCh38, 1-based): chr2:46,369,907, A>C. VCF-style: chr2-46369907-A-C. GRCh37 (hg19) VCF-style: chr2-46597046-A-C.
Other names: short protein forms E287A.
Identifiers: ClinVar variation 2588688 (VCV002588688.2), dbSNP rs2546464314, ClinGen allele CA346701819.

ClinVar aggregate classification (germline): Uncertain significance (1 of 4 stars; one submission).

Conditions:
Inborn genetic diseases. Identifiers: MedGen C0950123, MeSH D030342.

Submission:

Ambry Genetics
Classification: Uncertain significance for Inborn genetic diseases. Last evaluated: 2023-09-01. Review status: criteria provided, single submitter. Criteria: Ambry Variant Classification Scheme 2023. Collection method: clinical testing. Allele origin: germline.
Comment: The p.E287A variant (also known as c.860A>C), located in coding exon 7 of the EPAS1 gene, results from an A to C substitution at nucleotide position 860. The glutamic acid at codon 287 is replaced by alanine, an amino acid with dissimilar properties. This amino acid position is conserved. In addition, this alteration is predicted to be tolerated by in silico analysis. Since supporting evidence is limited at this time, the clinical significance of this alteration remains unclear.